The following is an entry in ClinVar:

ClinVar aggregate classification (germline): Uncertain significance (1 of 4 stars; one submission).

Conditions:
Glutathione synthetase deficiency with 5-oxoprolinuria. Also called: 5-OXOPROLINURIA DUE TO GLUTATHIONE SYNTHETASE DEFICIENCY; Reduced glutathione synthetase level; PYROGLUTAMIC ACIDURIA; 5-Oxoprolinuria; Gluthathione synthetase deficiency. Identifiers: Orphanet 289846, MedGen C0398746, MONDO:0009947, OMIM 266130, HP:0003343.

Submission:

Labcorp Genetics (formerly Invitae), Labcorp
Classification: Uncertain significance for Glutathione synthetase deficiency with 5-oxoprolinuria. Last evaluated: 2022-02-14. Review status: criteria provided, single submitter. Criteria: Invitae Variant Classification Sherloc (09022015). Collection method: clinical testing. Allele origin: germline.
Comment: In summary, the available evidence is currently insufficient to determine the role of this variant in disease. Therefore, it has been classified as a Variant of Uncertain Significance. Algorithms developed to predict the effect of missense changes on protein structure and function are either unavailable or do not agree on the potential impact of this missense change (SIFT: "Deleterious"; PolyPhen-2: "Possibly Damaging"; Align-GVGD: "Class C0"). This variant has not been reported in the literature in individuals affected with GSS-related conditions. This variant is not present in population databases (gnomAD no frequency). This sequence change replaces isoleucine, which is neutral and non-polar, with methionine, which is neutral and non-polar, at codon 396 of the GSS protein (p.Ile396Met).

NM_000178.4(GSS):c.1188C>G (p.Ile396Met)

Gene: GSS (glutathione synthetase; minus strand). Cytogenetic location: 20q11.22.
Variant type: single nucleotide variant.
Coding change: c.1188C>G on transcript NM_000178.4 (MANE Select); coding-DNA position 1188, C replaced by G.
Protein change: p.Ile396Met; replaces isoleucine 396 with methionine.
Molecular consequence: missense variant.
Genome position (GRCh38, 1-based): chr20:34,929,514, G>C on the plus strand (C>G on the coding strand, the complement: GSS is on the minus strand). VCF-style: chr20-34929514-G-C. GRCh37 (hg19) VCF-style: chr20-33517317-G-C.
Other names: c.1188C>G, p.Ile396Met (NM_001322494.1, NM_001322495.1); short protein forms I396M.
Identifiers: ClinVar variation 1939712 (VCV001939712.5), dbSNP rs2519016917, ClinGen allele CA408700586.